The following is an entry in ClinVar:

NM_022817.3(PER2):c.420C>T (p.Tyr140=)

Gene: PER2 (period circadian regulator 2; minus strand). Cytogenetic location: 2q37.3.
Variant type: single nucleotide variant.
Coding change: c.420C>T on transcript NM_022817.3 (MANE Select); coding-DNA position 420, C replaced by T.
Protein change: p.Tyr140=; no amino-acid change (tyrosine 140 retained).
Molecular consequence: synonymous variant.
Genome position (GRCh38, 1-based): chr2:238,275,771, G>A on the plus strand (C>T on the coding strand, the complement: PER2 is on the minus strand). VCF-style: chr2-238275771-G-A. GRCh37 (hg19) VCF-style: chr2-239184412-G-A.
Identifiers: ClinVar variation 745755 (VCV000745755.5), dbSNP rs146385738, ClinGen allele CA2197798.

ClinVar aggregate classification (germline): Benign. Review status: criteria provided, single submitter (1 of 4 stars). 2 submissions from 2 submitters: Benign (1). 1 of the submissions does not count toward it. Last evaluated 2018-07-23.

Conditions:
PER2-related disorder. Also called: PER2-related condition.

Allele frequency attached by ClinVar (database versions not stated): gnomAD exomes 0.00009 and 0.00020; ExAC 0.00023; gnomAD 0.00070; TOPMed 0.00071; ESP Exome Variant Server 0.00077; 1000 Genomes Project 30x 0.00109; 1000 Genomes Project 0.00120.

Submissions (2):

Labcorp Genetics (formerly Invitae), Labcorp
Classification: Benign. Last evaluated: 2018-07-23. Review status: criteria provided, single submitter. Criteria: Invitae Variant Classification Sherloc (09022015). Collection method: clinical testing. Allele origin: germline.

PreventionGenetics, part of Exact Sciences
Classification: Likely benign for PER2-related condition. Last evaluated: 2019-06-11. Review status: no assertion criteria provided. Collection method: clinical testing. Allele origin: germline. Not counted in ClinVar's aggregate classification.
Comment: This variant is classified as likely benign based on ACMG/AMP sequence variant interpretation guidelines (Richards et al. 2015 PMID: 25741868, with internal and published modifications).